The following is an entry in ClinVar:

ClinVar aggregate classification (germline): Likely pathogenic (1 of 4 stars; one submission).

Conditions:
Biotinidase deficiency. Also called: BTD deficiency; Late-onset biotin-responsive multiple carboxylase deficiency; Biotin deficiency. Identifiers: Orphanet 79241, MedGen C0220754, MONDO:0009665, OMIM 253260.

Submission:

Labcorp Genetics (formerly Invitae), Labcorp
Classification: Likely pathogenic for Biotinidase deficiency. Last evaluated: 2023-06-26. Review status: criteria provided, single submitter. Criteria: Invitae Variant Classification Sherloc (09022015). Collection method: clinical testing. Allele origin: germline.
Comment: In summary, the currently available evidence indicates that the variant is pathogenic, but additional data are needed to prove that conclusively. Therefore, this variant has been classified as Likely Pathogenic. This sequence change replaces histidine, which is basic and polar, with leucine, which is neutral and non-polar, at codon 314 of the BTD protein (p.His314Leu). This variant is not present in population databases (gnomAD no frequency). This missense change has been observed in individual(s) with clinical features of biotinidase deficiency (Invitae). In at least one individual the data is consistent with being in trans (on the opposite chromosome) from a pathogenic variant. Advanced modeling of protein sequence and biophysical properties (such as structural, functional, and spatial information, amino acid conservation, physicochemical variation, residue mobility, and thermodynamic stability) performed at Invitae indicates that this missense variant is expected to disrupt BTD protein function.

NM_001370658.1(BTD):c.881A>T (p.His294Leu)

Gene: BTD (biotinidase; plus strand). Cytogenetic location: 3p25.1.
Variant type: single nucleotide variant.
Coding change: c.881A>T on transcript NM_001370658.1 (MANE Select); coding-DNA position 881, A replaced by T.
Protein change: p.His294Leu; replaces histidine 294 with leucine.
Molecular consequence: missense variant. On other transcripts: intron variant (6).
Genome position (GRCh38, 1-based): chr3:15,644,797, A>T. VCF-style: chr3-15644797-A-T. GRCh37 (hg19) VCF-style: chr3-15686304-A-T.
Other names: c.881A>T, p.His294Leu (NM_001281723.4, NM_001281724.3, NM_001281725.3 and 18 more transcripts); c.399+2740A>T (NM_001370753.1, NM_001407400.1, NM_001407380.1 and 3 more transcripts); short protein forms H294L.
Identifiers: ClinVar variation 2865860 (VCV002865860.3), dbSNP rs1553653888, ClinGen allele CA351607539.